The following is an entry in ClinVar:

NM_000051.4(ATM):c.234A>G (p.Ala78=)

Gene: ATM (ATM serine/threonine kinase; plus strand). Cytogenetic location: 11q22.3.
Variant type: single nucleotide variant.
Coding change: c.234A>G on transcript NM_000051.4 (MANE Select); coding-DNA position 234, A replaced by G.
Protein change: p.Ala78=; no amino-acid change (alanine 78 retained).
Molecular consequence: synonymous variant.
Genome position (GRCh38, 1-based): chr11:108,229,226, A>G. VCF-style: chr11-108229226-A-G. GRCh37 (hg19) VCF-style: chr11-108099953-A-G.
Other names: c.234A>G, p.Ala78= (NM_001351834.2, NM_001351835.2, NM_001351836.2).
Identifiers: ClinVar variation 490466 (VCV000490466.14), dbSNP rs1555055145, ClinGen allele CA476668239.

ClinVar aggregate classification (germline): Benign/Likely benign. Review status: criteria provided, multiple submitters, no conflicts (2 of 4 stars). 4 submissions from 4 submitters: Benign (1); Likely benign (3). Last evaluated 2026-02-03.

Conditions:
Hereditary cancer-predisposing syndrome. Also called: Tumor predisposition; Neoplastic Syndromes, Hereditary; Hereditary Cancer Syndrome; Hereditary neoplastic syndrome. Identifiers: Orphanet 140162, MedGen C0027672, MeSH D009386, MONDO:0015356.
Familial cancer of breast. Also called: BREAST CANCER, FAMILIAL; hereditary breast carcinoma; Hereditary breast cancer. Identifiers: Orphanet 227535, MedGen C0346153, MONDO:0016419, OMIM 114480. Disease mechanism: loss of function.
Ataxia-telangiectasia syndrome (AT). Also called: Ataxia-telangiectasia; Ataxia-telangiectasia, complementation group D; AT, COMPLEMENTATION GROUP C; LOUIS-BAR SYNDROME; Cerebello-oculocutaneous telangiectasia; Immunodeficiency with ataxia telangiectasia. Identifiers: Orphanet 100, MedGen C0004135, MONDO:0008840, OMIM 208900.

Allele frequency attached by ClinVar (database versions not stated): gnomAD exomes below 0.00001.
gnomAD v4.1: 1 of 1,613,674 alleles (0.000062%); highest among the groups gnomAD compares: Non-Finnish European, 0.000085%; no homozygotes.

Submissions (4):

Labcorp Genetics (formerly Invitae), Labcorp
Classification: Likely benign for Ataxia-telangiectasia syndrome. Last evaluated: 2026-02-03. Review status: criteria provided, single submitter. Criteria: Invitae Variant Classification Sherloc (09022015). Collection method: clinical testing. Allele origin: germline.

Myriad Genetics, Inc.
Classification: Benign for Familial cancer of breast. Last evaluated: 2024-04-18. Review status: criteria provided, single submitter. Criteria: Myriad Autosomal Dominant, Autosomal Recessive and X-Linked Classification Criteria (2023). Collection method: clinical testing. Allele origin: unknown.
Comment: This variant is considered benign. This variant is a silent/synonymous amino acid change and it is not expected to impact splicing.

Ambry Genetics
Classification: Likely benign for Hereditary cancer-predisposing syndrome. Last evaluated: 2021-07-21. Review status: criteria provided, single submitter. Criteria: Ambry Variant Classification Scheme 2023. Collection method: clinical testing. Allele origin: germline.

Color Diagnostics, LLC DBA Color Health
Classification: Likely benign for Hereditary cancer-predisposing syndrome. Last evaluated: 2016-10-22. Review status: criteria provided, single submitter. Criteria: ACMG Guidelines, 2015. Collection method: clinical testing. Allele origin: germline.